The following is an entry in ClinVar:

ClinVar aggregate classification (germline): Uncertain significance (1 of 4 stars; one submission).

Allele frequency attached by ClinVar (database versions not stated): TOPMed below 0.00001.

Submission:

Labcorp Genetics (formerly Invitae), Labcorp
Classification: Uncertain significance. Last evaluated: 2022-10-27. Review status: criteria provided, single submitter. Criteria: Invitae Variant Classification Sherloc (09022015). Collection method: clinical testing. Allele origin: germline.
Comment: In summary, the available evidence is currently insufficient to determine the role of this variant in disease. Therefore, it has been classified as a Variant of Uncertain Significance. Algorithms developed to predict the effect of missense changes on protein structure and function are either unavailable or do not agree on the potential impact of this missense change (SIFT: "Deleterious"; PolyPhen-2: "Benign"; Align-GVGD: "Class C0"). This variant has not been reported in the literature in individuals affected with TERF2IP-related conditions. This variant is not present in population databases (gnomAD no frequency). This sequence change replaces isoleucine, which is neutral and non-polar, with methionine, which is neutral and non-polar, at codon 317 of the TERF2IP protein (p.Ile317Met).

NM_018975.4(TERF2IP):c.951C>G (p.Ile317Met)

Gene: TERF2IP (TERF2 interacting protein; plus strand). Cytogenetic location: 16q23.1.
Variant type: single nucleotide variant.
Coding change: c.951C>G on transcript NM_018975.4 (MANE Select); coding-DNA position 951, C replaced by G.
Protein change: p.Ile317Met; replaces isoleucine 317 with methionine.
Molecular consequence: missense variant. On other transcripts: non-coding transcript variant (1).
Genome position (GRCh38, 1-based): chr16:75,656,362, C>G. VCF-style: chr16-75656362-C-G. GRCh37 (hg19) VCF-style: chr16-75690260-C-G.
Other names: short protein forms I317M.
Identifiers: ClinVar variation 2716195 (VCV002716195.3), dbSNP rs75910541, ClinGen allele CA284339978.